The following is an entry in ClinVar:

NM_004260.4(RECQL4):c.317G>A (p.Gly106Glu)

Gene: RECQL4 (RecQ like helicase 4; minus strand). Cytogenetic location: 8q24.3.
Variant type: single nucleotide variant.
Coding change: c.317G>A on transcript NM_004260.4 (MANE Select); coding-DNA position 317, G replaced by A.
Protein change: p.Gly106Glu; replaces glycine 106 with glutamic acid.
Molecular consequence: missense variant.
Genome position (GRCh38, 1-based): chr8:144,517,087, C>T on the plus strand (G>A on the coding strand, the complement: RECQL4 is on the minus strand). VCF-style: chr8-144517087-C-T. GRCh37 (hg19) VCF-style: chr8-145742471-C-T.
Other names: short protein forms G106E.
Identifiers: ClinVar variation 860446 (VCV000860446.5), dbSNP rs1815229251, ClinGen allele CA372692014.

ClinVar aggregate classification (germline): Uncertain significance (1 of 4 stars; one submission).

Conditions:
Baller-Gerold syndrome (BGS). Also called: CRANIOSYNOSTOSIS WITH RADIAL DEFECTS. Identifiers: Orphanet 1225, MedGen C0265308, MONDO:0009039, OMIM 218600.

Submission:

Labcorp Genetics (formerly Invitae), Labcorp
Classification: Uncertain significance for Baller-Gerold syndrome. Last evaluated: 2023-02-14. Review status: criteria provided, single submitter. Criteria: Invitae Variant Classification Sherloc (09022015). Collection method: clinical testing. Allele origin: germline.
Comment: This sequence change replaces glycine, which is neutral and non-polar, with glutamic acid, which is acidic and polar, at codon 106 of the RECQL4 protein (p.Gly106Glu). This variant is not present in population databases (gnomAD no frequency). This variant has not been reported in the literature in individuals affected with RECQL4-related conditions. ClinVar contains an entry for this variant (Variation ID: 860446). Advanced modeling of protein sequence and biophysical properties (such as structural, functional, and spatial information, amino acid conservation, physicochemical variation, residue mobility, and thermodynamic stability) has been performed at Invitae for this missense variant, however the output from this modeling did not meet the statistical confidence thresholds required to predict the impact of this variant on RECQL4 protein function. In summary, the available evidence is currently insufficient to determine the role of this variant in disease. Therefore, it has been classified as a Variant of Uncertain Significance.